The following is an entry in ClinVar:

ClinVar aggregate classification (germline): Uncertain significance (1 of 4 stars; one submission).

Conditions:
Hereditary cancer-predisposing syndrome. Also called: Neoplastic Syndromes, Hereditary; Tumor predisposition; Hereditary Cancer Syndrome; Hereditary neoplastic syndrome. Identifiers: Orphanet 140162, MedGen C0027672, MeSH D009386, MONDO:0015356.

Submission:

Ambry Genetics
Classification: Uncertain significance for Hereditary cancer-predisposing syndrome. Last evaluated: 2021-02-01. Review status: criteria provided, single submitter. Criteria: Ambry Variant Classification Scheme 2023. Collection method: clinical testing. Allele origin: germline.
Comment: The c.3395-4T>C intronic variant results from a T to C substitution 4 nucleotides upstream from coding exon 16 in the MET gene. This nucleotide position is well conserved in available vertebrate species. In silico splice site analysis predicts that this alteration will not have any significant effect on splicing. Since supporting evidence is limited at this time, the clinical significance of this alteration remains unclear.

NM_000245.4(MET):c.3341-4T>C

Gene: MET (MET proto-oncogene, receptor tyrosine kinase; plus strand). Cytogenetic location: 7q31.2.
Variant type: single nucleotide variant.
Coding change: c.3341-4T>C on transcript NM_000245.4 (MANE Select); 4 bases into the intron before coding-DNA position 3341, T replaced by C.
Molecular consequence: intron variant.
Genome position (GRCh38, 1-based): chr7:116,778,772, T>C. VCF-style: chr7-116778772-T-C. GRCh37 (hg19) VCF-style: chr7-116418826-T-C.
Other names: c.3395-4T>C (NM_001127500.3); c.2051-4T>C (NM_001324402.2).
Identifiers: ClinVar variation 1730939 (VCV001730939.2), dbSNP rs2117044653, ClinGen allele CA2580076258.